The following is an entry in ClinVar:

ClinVar aggregate classification (germline): Uncertain significance (1 of 4 stars; one submission).

Submission:

Ambry Genetics
Classification: Uncertain significance. Last evaluated: 2022-04-05. Review status: criteria provided, single submitter. Criteria: Ambry Variant Classification Scheme 2023. Collection method: clinical testing. Allele origin: germline.
Comment: The p.F3952V variant (also known as c.11854T>G), located in coding exon 84 of the PRKDC gene, results from a T to G substitution at nucleotide position 11854. The phenylalanine at codon 3952 is replaced by valine, an amino acid with highly similar properties. This amino acid position is conserved. In addition, this alteration is predicted to be deleterious by in silico analysis. Since supporting evidence is limited at this time, the clinical significance of this alteration remains unclear.

NM_006904.7(PRKDC):c.11854T>G (p.Phe3952Val)

Gene: PRKDC (protein kinase, DNA-activated, catalytic subunit; minus strand). Cytogenetic location: 8q11.21.
Variant type: single nucleotide variant.
Coding change: c.11854T>G on transcript NM_006904.7 (MANE Select); coding-DNA position 11854, T replaced by G.
Protein change: p.Phe3952Val; replaces phenylalanine 3952 with valine.
Molecular consequence: missense variant.
Genome position (GRCh38, 1-based): chr8:47,777,874, A>C on the plus strand (T>G on the coding strand, the complement: PRKDC is on the minus strand). VCF-style: chr8-47777874-A-C. GRCh37 (hg19) VCF-style: chr8-48690435-A-C.
Other names: c.11761T>G, p.Phe3921Val (NM_001081640.2); short protein forms F3952V, F3921V.
Identifiers: ClinVar variation 1743084 (VCV001743084.2), dbSNP rs2551859726, ClinGen allele CA371128409.